The following is an entry in ClinVar:

ClinVar aggregate classification (germline): Likely benign. Review status: criteria provided, single submitter (1 of 4 stars). 2 submissions from 2 submitters: Likely benign (1). 1 of the submissions does not count toward it. Last evaluated 2025-12-21.

Conditions:
Idiopathic generalized epilepsy. Also called: EIG; Generalised epilepsy. Identifiers: MedGen C0270850, MONDO:0005579, OMIM 600669.
Hyperaldosteronism, familial, type IV (HALD4). Also called: FH IV; ALDOSTERONISM, PRIMARY, AND HYPERTENSION. Identifiers: Orphanet 642671, MedGen C4310756, MONDO:0014875, OMIM 617027.
CACNA1H-related disorder.

Allele frequency attached by ClinVar (database versions not stated): gnomAD exomes 0.00006 and 0.00005; ExAC 0.00007; 1000 Genomes Project 30x 0.00016; ESP Exome Variant Server 0.00016; 1000 Genomes Project 0.00020; TOPMed 0.00026; gnomAD 0.00030 and 0.00032.
gnomAD v4.1: 117 of 1,603,162 alleles (0.0073%); highest among the groups gnomAD compares: African/African-American, 0.093%; no homozygotes.

Submissions (2):

Labcorp Genetics (formerly Invitae), Labcorp
Classification: Likely benign for Idiopathic generalized epilepsy; Hyperaldosteronism, familial, type IV. Last evaluated: 2025-12-21. Review status: criteria provided, single submitter. Criteria: Invitae Variant Classification Sherloc (09022015). Collection method: clinical testing. Allele origin: germline.

PreventionGenetics, part of Exact Sciences
Classification: Likely benign for CACNA1H-related condition. Last evaluated: 2019-02-22. Review status: no assertion criteria provided. Collection method: clinical testing. Allele origin: germline. Not counted in ClinVar's aggregate classification.
Comment: This variant is classified as likely benign based on ACMG/AMP sequence variant interpretation guidelines (Richards et al. 2015 PMID: 25741868, with internal and published modifications).

NM_021098.3(CACNA1H):c.4758G>A (p.Arg1586=)

Gene: CACNA1H (calcium voltage-gated channel subunit alpha1 H; plus strand). Cytogenetic location: 16p13.3.
Variant type: single nucleotide variant.
Coding change: c.4758G>A on transcript NM_021098.3 (MANE Select); coding-DNA position 4758, G replaced by A.
Protein change: p.Arg1586=; no amino-acid change (arginine 1586 retained).
Molecular consequence: synonymous variant.
Genome position (GRCh38, 1-based): chr16:1,212,137, G>A. VCF-style: chr16-1212137-G-A. GRCh37 (hg19) VCF-style: chr16-1262137-G-A.
Other names: c.4758G>A, p.Arg1586= (NM_001005407.2).
Identifiers: ClinVar variation 460123 (VCV000460123.13), dbSNP rs200153161, ClinGen allele CA7801521.